The following is an entry in ClinVar:

NM_018127.7(ELAC2):c.2323A>G (p.Ile775Val)

Gene: ELAC2 (elaC ribonuclease Z 2; minus strand). Cytogenetic location: 17p12.
Variant type: single nucleotide variant.
Coding change: c.2323A>G on transcript NM_018127.7 (MANE Select); coding-DNA position 2323, A replaced by G.
Protein change: p.Ile775Val; replaces isoleucine 775 with valine.
Molecular consequence: missense variant.
Genome position (GRCh38, 1-based): chr17:12,992,976, T>C on the plus strand (A>G on the coding strand, the complement: ELAC2 is on the minus strand). VCF-style: chr17-12992976-T-C. GRCh37 (hg19) VCF-style: chr17-12896293-T-C.
Other names: c.2203A>G, p.Ile735Val (NM_001165962.2); c.2320A>G, p.Ile774Val (NM_173717.2); short protein forms I774V, I735V, I775V.
Identifiers: ClinVar variation 2137102 (VCV002137102.3), dbSNP rs971374535, ClinGen allele CA288075090.
Genomic context (GRCh38, chr17:12,992,976, plus strand): 5'-GGAGGGCCGCCCGCACCTGCCGCAGCTCCCGCTTCTCCCTGCGCTCCTCCATCTCCTCGA[T>C]GTCGCCAGCAAACAGGGCTTTCAGTGGGGGAATCAGCTTGGGCATTGTTGGAAAGTCTCC-3'
Protein context (NP_060597.4, residues 765-785): PPLKALFAGD[Ile775Val]EEMEERREKR

ClinVar aggregate classification (germline): Uncertain significance (1 of 4 stars; one submission).

Conditions:
Combined oxidative phosphorylation defect type 17. Also called: Combined oxidative phosphorylation deficiency 17. Identifiers: Orphanet 369913, MedGen C3809526, MONDO:0014190, OMIM 615440.

Allele frequency attached by ClinVar (database versions not stated): TOPMed below 0.00001; gnomAD exomes 0.00002.
gnomAD v4.1: 24 of 1,604,566 alleles (0.0015%); highest among the groups gnomAD compares: Non-Finnish European, 0.002%; no homozygotes.

Submission:

Labcorp Genetics (formerly Invitae), Labcorp
Classification: Uncertain significance for Combined oxidative phosphorylation defect type 17. Last evaluated: 2022-04-10. Review status: criteria provided, single submitter. Criteria: Invitae Variant Classification Sherloc (09022015). Collection method: clinical testing. Allele origin: germline.
Comment: This variant has not been reported in the literature in individuals affected with ELAC2-related conditions. In summary, the available evidence is currently insufficient to determine the role of this variant in disease. Therefore, it has been classified as a Variant of Uncertain Significance. Algorithms developed to predict the effect of missense changes on protein structure and function (SIFT, PolyPhen-2, Align-GVGD) all suggest that this variant is likely to be tolerated. This variant is not present in population databases (gnomAD no frequency). This sequence change replaces isoleucine, which is neutral and non-polar, with valine, which is neutral and non-polar, at codon 775 of the ELAC2 protein (p.Ile775Val).